The following is an entry in ClinVar:

ClinVar aggregate classification (germline): Benign/Likely benign. Review status: criteria provided, multiple submitters, no conflicts (2 of 4 stars). 8 submissions from 8 submitters: Benign (2); Likely benign (3). 3 of the submissions do not count toward it. Last evaluated 2026-01-27.

Conditions:
TNFAIP3-related disorder. Also called: TNFAIP3-related condition.
Autoinflammatory syndrome, familial, Behcet-like 1 (AIFBL1). Also called: Haploinsufficiency of A20. Identifiers: Orphanet 674762, MedGen C4225218, MONDO:0800045, OMIM 616744.

Allele frequency attached by ClinVar (database versions not stated): gnomAD exomes 0.00002 and 0.00012; ESP Exome Variant Server 0.00008; ExAC 0.00014; TOPMed 0.00021; gnomAD 0.00031 and 0.00032.

Submissions (8):

Labcorp Genetics (formerly Invitae), Labcorp
Classification: Benign. Last evaluated: 2026-01-27. Review status: criteria provided, single submitter. Criteria: Invitae Variant Classification Sherloc (09022015). Collection method: clinical testing. Allele origin: germline.

Blueprint Genetics
Classification: Likely benign. Last evaluated: 2024-11-20. Review status: criteria provided, single submitter. Criteria: ACMG Guidelines, 2015. Collection method: clinical testing. Allele origin: germline.

ARUP Laboratories, Molecular Genetics and Genomics, ARUP Laboratories
Classification: Likely benign for Autoinflammatory syndrome, familial, Behcet-like 1. Last evaluated: 2024-01-02. Review status: criteria provided, single submitter. Criteria: ARUP Molecular Germline Variant Investigation Process 2024. Collection method: clinical testing. Allele origin: germline.

CeGaT Center for Human Genetics Tuebingen
Classification: Benign. Last evaluated: 2022-07-01. Review status: criteria provided, single submitter. Criteria: CeGaT Center For Human Genetics Tuebingen Variant Classification Criteria Version 2. Collection method: clinical testing. Allele origin: germline. Affected: yes. Observed: 1 variant allele.
Comment: TNFAIP3: BS1, BS2

Genetics and Molecular Pathology, SA Pathology
Classification: Likely benign for Autoinflammatory syndrome, familial, Behcet-like 1. Last evaluated: 2020-11-09. Review status: criteria provided, single submitter. Criteria: ACMG Guidelines, 2015. Collection method: clinical testing. Allele origin: germline. Inheritance: Autosomal dominant inheritance. Affected: yes.
Comment: The TNFAIP3 c.295+8T>C variant is classified as Likely Benign (BP4, BP6)

PreventionGenetics, part of Exact Sciences
Classification: Likely benign for TNFAIP3-related condition. Last evaluated: 2019-07-31. Review status: no assertion criteria provided. Collection method: clinical testing. Allele origin: germline. Not counted in ClinVar's aggregate classification.
Comment: This variant is classified as likely benign based on ACMG/AMP sequence variant interpretation guidelines (Richards et al. 2015 PMID: 25741868, with internal and published modifications).

Clinical Genetics DNA and cytogenetics Diagnostics Lab, Erasmus MC, Erasmus Medical Center
Classification: Likely benign. Review status: no assertion criteria provided. Collection method: clinical testing. Allele origin: germline. Affected: yes. Study: VKGL Data-share Consensus. Not counted in ClinVar's aggregate classification.

Genome Diagnostics Laboratory, University Medical Center Utrecht
Classification: Likely benign. Review status: no assertion criteria provided. Collection method: clinical testing. Allele origin: germline. Affected: yes. Study: VKGL Data-share Consensus. Not counted in ClinVar's aggregate classification.

NM_001270508.2(TNFAIP3):c.295+8T>C

Gene: TNFAIP3 (TNF alpha induced protein 3; plus strand). Cytogenetic location: 6q23.3.
Variant type: single nucleotide variant.
Coding change: c.295+8T>C on transcript NM_001270508.2 (MANE Select); 8 bases into the intron after coding-DNA position 295, T replaced by C.
Molecular consequence: intron variant.
Genome position (GRCh38, 1-based): chr6:137,871,530, T>C. VCF-style: chr6-137871530-T-C. GRCh37 (hg19) VCF-style: chr6-138192667-T-C.
Other names: c.295+8T>C (NM_001270507.1, NM_001270507.2, NM_006290.4).
Identifiers: ClinVar variation 720796 (VCV000720796.42), dbSNP rs370813134, ClinGen allele CA4019380.